The following is an entry in ClinVar:

NM_000038.6(APC):c.3578A>G (p.Gln1193Arg)

Gene: APC (APC regulator of Wnt signaling pathway; plus strand). Cytogenetic location: 5q22.2.
Variant type: single nucleotide variant.
Coding change: c.3578A>G on transcript NM_000038.6 (MANE Select); coding-DNA position 3578, A replaced by G.
Protein change: p.Gln1193Arg; replaces glutamine 1193 with arginine.
Molecular consequence: missense variant.
Genome position (GRCh38, 1-based): chr5:112,839,172, A>G. VCF-style: chr5-112839172-A-G. GRCh37 (hg19) VCF-style: chr5-112174869-A-G.
Other names: c.3578A>G, p.Gln1193Arg (NM_001127510.3, NM_001354895.2); c.3524A>G, p.Gln1175Arg (NM_001127511.3); c.3632A>G, p.Gln1211Arg (NM_001354896.2); c.3608A>G, p.Gln1203Arg (NM_001354897.2); c.3503A>G, p.Gln1168Arg (NM_001354898.2); c.3494A>G, p.Gln1165Arg (NM_001354899.2); c.3455A>G, p.Gln1152Arg (NM_001354900.2); c.3401A>G, p.Gln1134Arg (NM_001354901.2); and 5 more; short protein forms Q1175R, Q1193R, Q1134R, Q1168R, Q1203R, Q910R, Q1033R, Q1067R.
Identifiers: ClinVar variation 411340 (VCV000411340.29), dbSNP rs1060503260, ClinGen allele CA16029193.
Genomic context (GRCh38, chr5:112,839,172, plus strand): 5'-TGGATCAGCCTATTGATTATAGTTTAAAATATGCCACAGATATTCCTTCATCACAGAAAC[A>G]GTCATTTTCATTCTCAAAGAGTTCATCTGGACAAAGCAGTAAAACCGAACATATGTCTTC-3'
Protein context (NP_000029.2, residues 1183-1203): YATDIPSSQK[Gln1193Arg]SFSFSKSSSG

ClinVar aggregate classification (germline): Conflicting classifications of pathogenicity. Review status: criteria provided, conflicting classifications (1 of 4 stars). 8 submissions from 8 submitters: Uncertain significance (7); Likely benign (1). Last evaluated 2026-08-26.

Conditions:
Classic or attenuated familial adenomatous polyposis. Identifiers: MedGen CN372698, MONDO:0021057.
APC-related disorder. Also called: APC-related condition.
Hereditary cancer-predisposing syndrome. Also called: Neoplastic Syndromes, Hereditary; Tumor predisposition; Hereditary Cancer Syndrome; Hereditary neoplastic syndrome. Identifiers: Orphanet 140162, MedGen C0027672, MeSH D009386, MONDO:0015356.
Familial adenomatous polyposis 1 (FAP1). Also called: FAMILIAL ADENOMATOUS POLYPOSIS 1, ATTENUATED; POLYPOSIS, ADENOMATOUS INTESTINAL. Identifiers: MedGen C2713442, MONDO:0021056, OMIM 175100. Disease mechanism: loss of function.

Allele frequency attached by ClinVar (database versions not stated): gnomAD exomes 0.00001; TOPMed 0.00003.

Submissions (8):

PreventionGenetics, part of Exact Sciences
Classification: Uncertain significance for APC-related condition. Last evaluated: 2026-08-26. Review status: criteria provided, single submitter. Criteria: ACMG Guidelines, 2015. Collection method: clinical testing. Allele origin: germline.
Comment: The APC c.3578A>G variant is predicted to result in the amino acid substitution p.Gln1193Arg. To our knowledge, this variant has not been reported in the literature. This variant is reported in 0.0058% of alleles in individuals of Latino descent in gnomAD and has conflicting interpretations of uncertain significance and likely benign in ClinVar (Variation ID: 411340). At this time, the clinical significance of this variant is uncertain due to the absence of conclusive functional and genetic evidence.

Labcorp Genetics (formerly Invitae), Labcorp
Classification: Uncertain significance for Familial adenomatous polyposis 1. Last evaluated: 2025-07-14. Review status: criteria provided, single submitter. Criteria: Invitae Variant Classification Sherloc (09022015). Collection method: clinical testing. Allele origin: germline.
Comment: This sequence change replaces glutamine, which is neutral and polar, with arginine, which is basic and polar, at codon 1193 of the APC protein (p.Gln1193Arg). This variant is present in population databases (no rsID available, gnomAD 0.006%). This variant has not been reported in the literature in individuals affected with APC-related conditions. ClinVar contains an entry for this variant (Variation ID: 411340). Invitae Evidence Modeling of protein sequence and biophysical properties (such as structural, functional, and spatial information, amino acid conservation, physicochemical variation, residue mobility, and thermodynamic stability) indicates that this missense variant is not expected to disrupt APC protein function with a negative predictive value of 95%. In summary, the available evidence is currently insufficient to determine the role of this variant in disease. Therefore, it has been classified as a Variant of Uncertain Significance.

All of Us Research Program, National Institutes of Health
Classification: Uncertain significance for Classic or attenuated familial adenomatous polyposis. Last evaluated: 2024-05-14. Review status: criteria provided, single submitter. Criteria: ACMG Guidelines, 2015. Collection method: clinical testing. Allele origin: germline. Inheritance: Autosomal dominant inheritance. Observed: 3 variant alleles, 3 heterozygotes.
Comment: This missense variant replaces glutamine with arginine at codon 1193 of the APC protein. Computational prediction is inconclusive regarding the impact of this variant on protein structure and function (internally defined REVEL score threshold 0.5 < inconclusive < 0.7, PMID: 27666373). To our knowledge, functional studies have not been reported for this variant. This variant has not been reported in individuals affected with hereditary cancer in the literature. This variant has been identified in 2/250248 chromosomes in the general population by the Genome Aggregation Database (gnomAD). The available evidence is insufficient to determine the role of this variant in disease conclusively. Therefore, this variant is classified as a Variant of Uncertain Significance.

This study involves interpretation of variants in research participants for the purpose of population health screening. Participant phenotype was not available at the time of variant classification. Additional details can be found in publication PMID: 35346344, PMCID: PMC8962531

Color Diagnostics, LLC DBA Color Health
Classification: Uncertain significance for Hereditary cancer-predisposing syndrome. Last evaluated: 2024-03-06. Review status: criteria provided, single submitter. Criteria: ACMG Guidelines, 2015. Collection method: clinical testing. Allele origin: germline.
Comment: This missense variant replaces glutamine with arginine at codon 1193 of the APC protein. Computational prediction suggests that this variant may not impact protein structure and function (internally defined REVEL score threshold <= 0.5, PMID: 27666373). To our knowledge, functional studies have not been reported for this variant. This variant has not been reported in individuals affected with APC-related disorders in the literature. This variant has been identified in 2/250248 chromosomes in the general population by the Genome Aggregation Database (gnomAD). The available evidence is insufficient to determine the role of this variant in disease conclusively. Therefore, this variant is classified as a Variant of Uncertain Significance.

Baylor Genetics
Classification: Uncertain significance for Familial adenomatous polyposis 1. Last evaluated: 2024-03-02. Review status: criteria provided, single submitter. Criteria: ACMG Guidelines, 2015. Collection method: clinical testing. Allele origin: unknown.

GeneDx
Classification: Uncertain significance. Last evaluated: 2023-10-17. Review status: criteria provided, single submitter. Criteria: GeneDx Variant Classification Process June 2021. Collection method: clinical testing. Allele origin: germline. Affected: yes.
Comment: Not observed at significant frequency in large population cohorts (gnomAD); In silico analysis supports that this missense variant does not alter protein structure/function; Has not been previously published as pathogenic or benign to our knowledge

Ambry Genetics
Classification: Likely benign for Hereditary cancer-predisposing syndrome. Last evaluated: 2023-05-26. Review status: criteria provided, single submitter. Criteria: Ambry Variant Classification Scheme 2023. Collection method: clinical testing. Allele origin: germline.

Sema4
Classification: Uncertain significance for Hereditary cancer-predisposing syndrome. Last evaluated: 2021-12-11. Review status: criteria provided, single submitter. Criteria: Sema4 Curation Guidelines. Collection method: curation. Allele origin: germline.
Comment: The APC c.3578A>G (p.Q1193R) variant has not been reported in the literature to our knowledge. It was observed in 2/34586 chromosomes of the Latino subpopulation in the large and broad cohorts of the Genome Aggregation Database (PMID: 32461654). This variant has been reported in ClinVar (Variation ID 411340). Functional studies have not been performed, and in silico predictions of the variant's effect on protein function are inconclusive. The evidence is insufficient to meet ACMG/AMP criteria for classifying the variant as benign or pathogenic. Thus, the clinical significance of this variant is currently uncertain.